The following is an entry in ClinVar:

NM_002382.5(MAX):c.219T>A (p.Tyr73Ter)

Gene: MAX (MYC associated transcriptional regulator X; minus strand). Cytogenetic location: 14q23.3.
Variant type: single nucleotide variant.
Coding change: c.219T>A on transcript NM_002382.5 (MANE Select); coding-DNA position 219, T replaced by A.
Protein change: p.Tyr73Ter; replaces tyrosine 73 with a stop codon.
Molecular consequence: nonsense. On other transcripts: 5 prime UTR variant (1), intron variant (2).
Genome position (GRCh38, 1-based): chr14:65,077,989, A>T on the plus strand (T>A on the coding strand, the complement: MAX is on the minus strand). VCF-style: chr14-65077989-A-T. GRCh37 (hg19) VCF-style: chr14-65544707-A-T.
Other names: c.-56T>A (NM_001320415.2, NM_001407105.1, NM_001407106.1 and 1 more transcripts); c.219T>A, p.Tyr73Ter (NM_001407094.1, NM_001407096.1, NM_001407097.1 and 3 more transcripts); c.192T>A, p.Tyr64Ter (NM_001407095.1, NM_001407099.1, NM_001407100.1 and 6 more transcripts); c.111T>A, p.Tyr37Ter (NM_001407098.1); c.-149T>A (NM_001407111.1, NM_001407112.1); c.144+15719T>A (NM_001271069.2); c.171+15719T>A (NM_197957.4); short protein forms Y73*, Y64*, Y37*.
Identifiers: ClinVar variation 532507 (VCV000532507.8), dbSNP rs1193255946, ClinGen allele CA390035784.

ClinVar aggregate classification (germline): Pathogenic (1 of 4 stars; one submission).

Conditions:
Hereditary pheochromocytoma and paraganglioma. Also called: Hereditary Paraganglioma-Pheochromocytoma Syndromes; Hereditary paragangliomas and pheochromocytomas; Hereditary pheochromocytoma-paraganglioma. Identifiers: Orphanet 29072, MedGen C4274332, MONDO:0017366.

Submission:

Labcorp Genetics (formerly Invitae), Labcorp
Classification: Pathogenic for Hereditary pheochromocytoma and paraganglioma. Last evaluated: 2017-10-30. Review status: criteria provided, single submitter. Criteria: Invitae Variant Classification Sherloc (09022015). Collection method: clinical testing. Allele origin: germline.
Comment: This sequence change creates a premature translational stop signal (p.Tyr73*) in the MAX gene. It is expected to result in an absent or disrupted protein product. This variant is not present in population databases (ExAC no frequency). This variant has not been reported in the literature in individuals with MAX-related disease. Loss-of-function variants in MAX are known to be pathogenic (PMID: 21685915, 26070438). For these reasons, this variant has been classified as Pathogenic.

Literature cited by the submitters: PubMed 21685915; PubMed 26070438.